The following is an entry in ClinVar:

NM_000492.4(CFTR):c.3406G>A (p.Ala1136Thr)

Genes: CFTR (CF transmembrane conductance regulator; plus strand), CFTR-AS2 (CFTR antisense RNA 2; minus strand). Cytogenetic location: 7q31.2.
Variant type: single nucleotide variant.
Coding change: c.3406G>A on transcript NM_000492.4 (MANE Select); coding-DNA position 3406, G replaced by A.
Protein change: p.Ala1136Thr; replaces alanine 1136 with threonine.
Molecular consequence: missense variant.
Genome position (GRCh38, 1-based): chr7:117,614,651, G>A. VCF-style: chr7-117614651-G-A. GRCh37 (hg19) VCF-style: chr7-117254705-G-A.
Other names: short protein forms A1136T.
Identifiers: ClinVar variation 951237 (VCV000951237.14), dbSNP rs755968404, ClinGen allele CA4451455.

ClinVar aggregate classification (germline): Conflicting classifications of pathogenicity. Review status: criteria provided, conflicting classifications (1 of 4 stars). 5 submissions from 5 submitters: Likely pathogenic (2); Uncertain significance (1). 2 of the submissions do not count toward it. Last evaluated 2026-06-08.

Conditions:
Cystic fibrosis (CF). Also called: MUCOVISCIDOSIS. Identifiers: Orphanet 586, MedGen C0010674, MONDO:0009061, OMIM 219700. Disease mechanism: loss of function.
CFTR-related disorder (CFTR-RD). Also called: CFTR-related condition; CFTR-related disorders. Identifiers: MedGen C5924204, MONDO:7770004.

Allele frequency attached by ClinVar (database versions not stated): gnomAD 0.00001; gnomAD exomes 0.00001 and 0.00004; ExAC 0.00007.
gnomAD v4.1: 23 of 1,612,190 alleles (0.0014%); highest among the groups gnomAD compares: South Asian, 0.018%; 1 homozygote.

Submissions (5):

Women's Health and Genetics/Laboratory Corporation of America, LabCorp
Classification: Likely pathogenic for Cystic fibrosis. Last evaluated: 2026-06-08. Review status: criteria provided, single submitter. Criteria: LabCorp Variant Classification Summary - May 2015. Collection method: clinical testing. Allele origin: germline.
Comment: Variant summary: CFTR c.3406G>A (p.Ala1136Thr) results in a non-conservative amino acid change in the encoded protein sequence. Algorithms developed to predict the effect of missense changes on protein structure and function all suggest that this variant is likely to be disruptive. The variant allele was found at a frequency of 4e-05 in 251152 control chromosomes in the gnomAD database, including 1 homozygotes. This frequency is not significantly higher than estimated for a pathogenic variant in CFTR causing CFTR-Related Diseases (4e-05 vs 0.013), allowing no conclusion about variant significance. c.3406G>A has been observed in individual(s) affected with chronic pancreatitis, congenital absence of the vas deferens, cystic fibrosis, and/or intrahepatic cholestasis (Li_2012, Cheng_2022, Fang_2022, Guo_2021, etc). These data indicate that the variant is likely to be associated with disease. To our knowledge, no experimental evidence demonstrating an impact on protein function has been reported. The following publications have been ascertained in the context of this evaluation (PMID: 11938439, 35119551, 36437957, 33937153, 22483971, 23951356, 21520337, 27706244, 31450232, 31423445, 34276759, 30811104, 33937153, 40128832). ClinVar contains an entry for this variant (Variation ID: 951237). Based on the evidence outlined above, the variant was classified as likely pathogenic.

Labcorp Genetics (formerly Invitae), Labcorp
Classification: Likely pathogenic for Cystic fibrosis. Last evaluated: 2024-08-03. Review status: criteria provided, single submitter. Criteria: Invitae Variant Classification Sherloc (09022015). Collection method: clinical testing. Allele origin: germline.
Comment: This sequence change replaces alanine, which is neutral and non-polar, with threonine, which is neutral and polar, at codon 1136 of the CFTR protein (p.Ala1136Thr). This variant is present in population databases (rs755968404, gnomAD 0.03%), including at least one homozygous and/or hemizygous individual. This missense change has been observed in individuals with chronic pancreatitis, congenital absence of the vas deferens, cystic fibrosis, and/or intrahepatic cholestasis (PMID: 9164328, 21520337, 22483971, 23951356, 27706244, 33937153, 35119551, 36437957). ClinVar contains an entry for this variant (Variation ID: 951237). Advanced modeling of protein sequence and biophysical properties (such as structural, functional, and spatial information, amino acid conservation, physicochemical variation, residue mobility, and thermodynamic stability) performed at Invitae indicates that this missense variant is not expected to disrupt CFTR protein function with a negative predictive value of 80%. In summary, the currently available evidence indicates that the variant is pathogenic, but additional data are needed to prove that conclusively. Therefore, this variant has been classified as Likely Pathogenic.

GeneDx
Classification: Uncertain significance. Last evaluated: 2024-04-18. Review status: criteria provided, single submitter. Criteria: GeneDx Variant Classification Process June 2021. Collection method: clinical testing. Allele origin: germline. Affected: yes.
Comment: Observed in individuals with congenital absence of the vas deferens, pancreatitis, bronchiectasis, and intrahepatic cholestasis with additional CFTR variants reported, but phase was unclear (PMID: 21520337, 22483971, 23951356, 36437957, 27706244, 35119551); In silico analysis indicates that this missense variant does not alter protein structure/function; This variant is associated with the following publications: (PMID: 9164328, 22483971, 23951356, 36437957, 21520337, 27706244, 33937153, 35119551)

Genome Diagnostics Laboratory, The Hospital for Sick Children
Classification: Uncertain significance for CFTR-related disorders. Last evaluated: 2021-04-29. Review status: no assertion criteria provided. Collection method: clinical testing. Allele origin: germline. Not counted in ClinVar's aggregate classification.

Natera, Inc.
Classification: Uncertain significance for CFTR-related disorders. Last evaluated: 2018-10-02. Review status: no assertion criteria provided. Collection method: clinical testing. Allele origin: germline. Not counted in ClinVar's aggregate classification.

Literature cited by the submitters: PubMed 21520337 (cited by Women's Health and Genetics/Laboratory Corporation of America, LabCorp and Labcorp Genetics (formerly Invitae), Labcorp); PubMed 11938439 (cited by Women's Health and Genetics/Laboratory Corporation of America, LabCorp); PubMed 22483971 (cited by Women's Health and Genetics/Laboratory Corporation of America, LabCorp and Labcorp Genetics (formerly Invitae), Labcorp); PubMed 23951356 (cited by Women's Health and Genetics/Laboratory Corporation of America, LabCorp and Labcorp Genetics (formerly Invitae), Labcorp); PubMed 27706244 (cited by Women's Health and Genetics/Laboratory Corporation of America, LabCorp and Labcorp Genetics (formerly Invitae), Labcorp); PubMed 30811104 (cited by Women's Health and Genetics/Laboratory Corporation of America, LabCorp); PubMed 31423445 (cited by Women's Health and Genetics/Laboratory Corporation of America, LabCorp); PubMed 31450232 (cited by Women's Health and Genetics/Laboratory Corporation of America, LabCorp); PubMed 34276759 (cited by Women's Health and Genetics/Laboratory Corporation of America, LabCorp); PubMed 35119551 (cited by Women's Health and Genetics/Laboratory Corporation of America, LabCorp and Labcorp Genetics (formerly Invitae), Labcorp); PubMed 36437957 (cited by Women's Health and Genetics/Laboratory Corporation of America, LabCorp and Labcorp Genetics (formerly Invitae), Labcorp); PubMed 33937153 (cited by Women's Health and Genetics/Laboratory Corporation of America, LabCorp and Labcorp Genetics (formerly Invitae), Labcorp); PubMed 40128832 (cited by Women's Health and Genetics/Laboratory Corporation of America, LabCorp); PubMed 9164328 (cited by Labcorp Genetics (formerly Invitae), Labcorp).